The following is an entry in ClinVar:

NM_004525.3(LRP2):c.8966C>T (p.Thr2989Ile)

Gene: LRP2 (LDL receptor related protein 2; minus strand). Cytogenetic location: 2q31.1.
Variant type: single nucleotide variant.
Coding change: c.8966C>T on transcript NM_004525.3 (MANE Select); coding-DNA position 8966, C replaced by T.
Protein change: p.Thr2989Ile; replaces threonine 2989 with isoleucine.
Molecular consequence: missense variant.
Genome position (GRCh38, 1-based): chr2:169,191,898, G>A on the plus strand (C>T on the coding strand, the complement: LRP2 is on the minus strand). VCF-style: chr2-169191898-G-A. GRCh37 (hg19) VCF-style: chr2-170048408-G-A.
Other names: short protein forms T2989I.
Identifiers: ClinVar variation 1353951 (VCV001353951.8), dbSNP rs2105311084, ClinGen allele CA349159248.

ClinVar aggregate classification (germline): Uncertain significance (1 of 4 stars; one submission).

Submission:

Labcorp Genetics (formerly Invitae), Labcorp
Classification: Uncertain significance. Last evaluated: 2022-07-06. Review status: criteria provided, single submitter. Criteria: Invitae Variant Classification Sherloc (09022015). Collection method: clinical testing. Allele origin: germline.
Comment: ClinVar contains an entry for this variant (Variation ID: 1353951). This variant is not present in population databases (gnomAD no frequency). This variant has not been reported in the literature in individuals affected with LRP2-related conditions. Algorithms developed to predict the effect of missense changes on protein structure and function (SIFT, PolyPhen-2, Align-GVGD) all suggest that this variant is likely to be disruptive. In summary, the available evidence is currently insufficient to determine the role of this variant in disease. Therefore, it has been classified as a Variant of Uncertain Significance. This sequence change replaces threonine, which is neutral and polar, with isoleucine, which is neutral and non-polar, at codon 2989 of the LRP2 protein (p.Thr2989Ile).